The following is an entry in ClinVar:

NM_004171.4(SLC1A2):c.159T>A (p.Gly53=)

Gene: SLC1A2 (solute carrier family 1 member 2; minus strand). Cytogenetic location: 11p13.
Variant type: single nucleotide variant.
Coding change: c.159T>A on transcript NM_004171.4 (MANE Select); coding-DNA position 159, T replaced by A.
Protein change: p.Gly53=; no amino-acid change (glycine 53 retained).
Molecular consequence: synonymous variant.
Genome position (GRCh38, 1-based): chr11:35,315,174, A>T on the plus strand (T>A on the coding strand, the complement: SLC1A2 is on the minus strand). VCF-style: chr11-35315174-A-T. GRCh37 (hg19) VCF-style: chr11-35336721-A-T.
Other names: c.132T>A, p.Gly44= (NM_001195728.3, NM_001252652.2).
Identifiers: ClinVar variation 2641722 (VCV002641722.27), dbSNP rs143475850, ClinGen allele CA5947375.

ClinVar aggregate classification (germline): Likely benign. Review status: criteria provided, multiple submitters, no conflicts (2 of 4 stars). 2 submissions from 2 submitters: Likely benign (2). Last evaluated 2025-02-11.

Allele frequency attached by ClinVar (database versions not stated): ExAC 0.00001; TOPMed 0.00003; gnomAD 0.00005.
gnomAD v4.1: 22 of 1,612,876 alleles (0.0014%); highest among the groups gnomAD compares: Non-Finnish European, 0.0018%; no homozygotes.

Submissions (2):

Labcorp Genetics (formerly Invitae), Labcorp
Classification: Likely benign. Last evaluated: 2025-02-11. Review status: criteria provided, single submitter. Criteria: Invitae Variant Classification Sherloc (09022015). Collection method: clinical testing. Allele origin: germline.

CeGaT Center for Human Genetics Tuebingen
Classification: Likely benign. Last evaluated: 2023-07-01. Review status: criteria provided, single submitter. Criteria: CeGaT Center For Human Genetics Tuebingen Variant Classification Criteria Version 2. Collection method: clinical testing. Allele origin: germline. Affected: yes. Observed: 1 variant allele.
Comment: SLC1A2: BP4, BP7